The following is an entry in ClinVar:

NM_001184.4(ATR):c.1834A>G (p.Thr612Ala)

Gene: ATR (ATR serine/threonine kinase; minus strand). Cytogenetic location: 3q23.
Variant type: single nucleotide variant.
Coding change: c.1834A>G on transcript NM_001184.4 (MANE Select); coding-DNA position 1834, A replaced by G.
Protein change: p.Thr612Ala; replaces threonine 612 with alanine.
Molecular consequence: missense variant.
Genome position (GRCh38, 1-based): chr3:142,558,675, T>C on the plus strand (A>G on the coding strand, the complement: ATR is on the minus strand). VCF-style: chr3-142558675-T-C. GRCh37 (hg19) VCF-style: chr3-142277517-T-C.
Other names: c.1642A>G, p.Thr548Ala (NM_001354579.2); short protein forms T548A, T612A.
Identifiers: ClinVar variation 3462547 (VCV003462547.1).

ClinVar aggregate classification (germline): Uncertain significance (1 of 4 stars; one submission).

Conditions:
Inborn genetic diseases. Identifiers: MedGen C0950123, MeSH D030342.

Submission:

Ambry Genetics
Classification: Uncertain significance for Inborn genetic diseases. Last evaluated: 2024-08-24. Review status: criteria provided, single submitter. Criteria: Ambry Variant Classification Scheme 2023. Collection method: clinical testing. Allele origin: germline.
Comment: The p.T612A variant (also known as c.1834A>G), located in coding exon 8 of the ATR gene, results from an A to G substitution at nucleotide position 1834. The threonine at codon 612 is replaced by alanine, an amino acid with similar properties. This amino acid position is conserved. In addition, this alteration is predicted to be tolerated by in silico analysis. Based on the available evidence, the clinical significance of this variant remains unclear.